The following is an entry in ClinVar:

ClinVar aggregate classification (germline): Uncertain significance (1 of 4 stars; one submission).

Submission:

Labcorp Genetics (formerly Invitae), Labcorp
Classification: Uncertain significance. Last evaluated: 2023-06-09. Review status: criteria provided, single submitter. Criteria: Invitae Variant Classification Sherloc (09022015). Collection method: clinical testing. Allele origin: germline.
Comment: In summary, the available evidence is currently insufficient to determine the role of this variant in disease. Therefore, it has been classified as a Variant of Uncertain Significance. Experimental studies and prediction algorithms are not available or were not evaluated, and the functional significance of this variant is currently unknown. This variant has not been reported in the literature in individuals affected with PITPNM3-related conditions. This variant is not present in population databases (gnomAD no frequency). This variant, c.2842_2847del, results in the deletion of 2 amino acid(s) of the PITPNM3 protein (p.Pro948_Glu949del), but otherwise preserves the integrity of the reading frame.

NM_031220.4(PITPNM3):c.2842_2847del (p.Pro948_Glu949del)

Gene: PITPNM3 (PITPNM family member 3; minus strand). Cytogenetic location: 17p13.2.
Variant type: Deletion.
Coding change: c.2842_2847del on transcript NM_031220.4 (MANE Select); coding-DNA positions 2842 to 2847, 6 bases deleted (CCCGAG; older notation c.2842_2847delCCCGAG).
Protein change: p.Pro948_Glu949del.
Molecular consequence: inframe deletion.
Genome position (GRCh38, 1-based): chr17:6,455,416-6,455,421, CTCGGG deleted on the plus strand (CCCGAG on the coding strand, the reverse complement: PITPNM3 is on the minus strand); deleting any 6 consecutive bases within chr17:6,455,416-6,455,423 gives the same sequence; the c. name uses the placement nearest the transcript's 3' end. VCF-style (leftmost placement, unchanged base first): chr17-6455415-ACTCGGG-A. GRCh37 (hg19) VCF-style: chr17-6358735-ACTCGGG-A.
Other names: c.2734_2739del, p.Pro912_Glu913del (NM_001165966.2).
Identifiers: ClinVar variation 2705329 (VCV002705329.3), dbSNP rs2543962157, ClinGen allele CA2697556174.